The following is an entry in ClinVar:

NM_000392.5(ABCC2):c.213C>T (p.Phe71=)

Gene: ABCC2 (ATP binding cassette subfamily C member 2; plus strand). Cytogenetic location: 10q24.2.
Variant type: single nucleotide variant.
Coding change: c.213C>T on transcript NM_000392.5 (MANE Select); coding-DNA position 213, C replaced by T.
Protein change: p.Phe71=; no amino-acid change (phenylalanine 71 retained).
Molecular consequence: synonymous variant.
Genome position (GRCh38, 1-based): chr10:99,792,239, C>T. VCF-style: chr10-99792239-C-T. GRCh37 (hg19) VCF-style: chr10-101551996-C-T.
Other names: c.213C>T, p.Phe71= (LRG_1208t1); c.213C>T (NM_000392.4).
Identifiers: ClinVar variation 595862 (VCV000595862.10), dbSNP rs770824435, ClinGen allele CA5642815.

ClinVar aggregate classification (germline): Conflicting classifications of pathogenicity. Review status: criteria provided, conflicting classifications (1 of 4 stars). 3 submissions from 3 submitters: Uncertain significance (1); Likely benign (1). 1 of the submissions does not count toward it. Last evaluated 2024-09-06.

Conditions:
ABCC2-related disorder. Also called: ABCC2-related condition.

Allele frequency attached by ClinVar (database versions not stated): gnomAD 0.00004 and 0.00005; TOPMed 0.00006.
gnomAD v4.1: 26 of 1,613,810 alleles (0.0016%); highest among the groups gnomAD compares: African/African-American, 0.015%; 1 homozygote.

Submissions (3):

Labcorp Genetics (formerly Invitae), Labcorp
Classification: Likely benign. Last evaluated: 2024-09-06. Review status: criteria provided, single submitter. Criteria: Invitae Variant Classification Sherloc (09022015). Collection method: clinical testing. Allele origin: germline.

Eurofins Ntd Llc (ga)
Classification: Uncertain significance. Last evaluated: 2018-01-25. Review status: criteria provided, single submitter. Criteria: EGL Classification Definitions 2015. Collection method: clinical testing. Allele origin: germline. Observed: 1 variant allele, 1 heterozygote.

PreventionGenetics, part of Exact Sciences
Classification: Likely benign for ABCC2-related condition. Last evaluated: 2022-12-20. Review status: no assertion criteria provided. Collection method: clinical testing. Allele origin: germline. Not counted in ClinVar's aggregate classification.
Comment: This variant is classified as likely benign based on ACMG/AMP sequence variant interpretation guidelines (Richards et al. 2015 PMID: 25741868, with internal and published modifications).